The following is an entry in ClinVar:

NM_020999.4(NEUROG3):c.110C>G (p.Pro37Arg)

Gene: NEUROG3 (neurogenin 3; minus strand). Cytogenetic location: 10q22.1.
Variant type: single nucleotide variant.
Coding change: c.110C>G on transcript NM_020999.4 (MANE Select); coding-DNA position 110, C replaced by G.
Protein change: p.Pro37Arg; replaces proline 37 with arginine.
Molecular consequence: missense variant.
Genome position (GRCh38, 1-based): chr10:69,572,934, G>C on the plus strand (C>G on the coding strand, the complement: NEUROG3 is on the minus strand). VCF-style: chr10-69572934-G-C. GRCh37 (hg19) VCF-style: chr10-71332690-G-C.
Other names: short protein forms P37R.
Identifiers: ClinVar variation 3361193 (VCV003361193.2).

ClinVar aggregate classification (germline): Uncertain significance. Review status: criteria provided, multiple submitters, no conflicts (2 of 4 stars). 2 submissions from 2 submitters: Uncertain significance (2). Last evaluated 2025-08-22.

Conditions:
Inborn genetic diseases. Identifiers: MedGen C0950123, MeSH D030342.

Submissions (2):

Ambry Genetics
Classification: Uncertain significance for Inborn genetic diseases. Last evaluated: 2025-08-22. Review status: criteria provided, single submitter. Criteria: Ambry Variant Classification Scheme 2023. Collection method: clinical testing. Allele origin: germline.

GeneDx
Classification: Uncertain significance. Last evaluated: 2023-07-18. Review status: criteria provided, single submitter. Criteria: GeneDx Variant Classification Process June 2021. Collection method: clinical testing. Allele origin: germline. Affected: yes.
Comment: In silico analysis supports that this missense variant does not alter protein structure/function; Has not been previously published as pathogenic or benign to our knowledge